The following is an entry in ClinVar:

NM_000057.4(BLM):c.842del (p.His281fs)

Gene: BLM (BLM RecQ like helicase; plus strand). Cytogenetic location: 15q26.1.
Variant type: Deletion.
Coding change: c.842del on transcript NM_000057.4 (MANE Select); coding-DNA position 842, one base deleted (A; older notation c.842delA).
Protein change: p.His281fs; shifts the reading frame from histidine 281.
Molecular consequence: frameshift variant. On other transcripts: 5 prime UTR variant (1).
Genome position (GRCh38, 1-based): chr15:90,751,829, A deleted. VCF-style (leftmost placement, unchanged base first): chr15-90751828-CA-C. GRCh37 (hg19) VCF-style: chr15-91295058-CA-C.
Other names: c.842del, p.His281fs (NM_001287246.2, NM_001287247.2); c.-450del (NM_001287248.2); short protein forms H281fs.
Identifiers: ClinVar variation 857211 (VCV000857211.8), dbSNP rs1895692863, ClinGen allele CA916080558.

ClinVar aggregate classification (germline): Pathogenic (1 of 4 stars; one submission).

Conditions:
Bloom syndrome (BLM). Also called: Bloom-Torre-Machacek syndrome. Identifiers: Orphanet 125, MedGen C0005859, MONDO:0008876, OMIM 210900.

Submission:

Labcorp Genetics (formerly Invitae), Labcorp
Classification: Pathogenic for Bloom syndrome. Last evaluated: 2023-03-13. Review status: criteria provided, single submitter. Criteria: Invitae Variant Classification Sherloc (09022015). Collection method: clinical testing. Allele origin: germline.
Comment: This sequence change creates a premature translational stop signal (p.His281Leufs*42) in the BLM gene. It is expected to result in an absent or disrupted protein product. Loss-of-function variants in BLM are known to be pathogenic (PMID: 17407155). This variant is not present in population databases (gnomAD no frequency). This variant has not been reported in the literature in individuals affected with BLM-related conditions. ClinVar contains an entry for this variant (Variation ID: 857211). For these reasons, this variant has been classified as Pathogenic.

Literature cited by the submitters: PubMed 17407155.